The following is an entry in ClinVar:

NM_001386889.1(MBNL3):c.301C>A (p.Gln101Lys)

Genes: MBNL3 (muscleblind like splicing regulator 3; minus strand), RAP2C-AS1 (RAP2C antisense RNA 1; plus strand). Cytogenetic location: Xq26.2.
Variant type: single nucleotide variant.
Coding change: c.301C>A on transcript NM_001386889.1 (MANE Select); coding-DNA position 301, C replaced by A.
Protein change: p.Gln101Lys; replaces glutamine 101 with lysine.
Molecular consequence: missense variant. On other transcripts: intron variant (1).
Genome position (GRCh38, 1-based): chrX:132,406,269, G>T on the plus strand (C>A on the coding strand, the complement: MBNL3 is on the minus strand). VCF-style: chrX-132406269-G-T. GRCh37 (hg19) VCF-style: chrX-131540297-G-T.
Other names: c.13C>A, p.Gln5Lys (NM_001170701.3, NM_001170702.3, NM_001170703.2 and 14 more transcripts); c.301C>A, p.Gln101Lys (NM_001386891.1, NM_001386892.1, NM_001386894.1 and 6 more transcripts); c.-12-13935C>A (NM_001386916.1); short protein forms Q101K, Q5K.
Identifiers: ClinVar variation 2635208 (VCV002635208.1), dbSNP rs2522424731, ClinGen allele CA414685044.

ClinVar aggregate classification (germline): Uncertain significance (1 of 4 stars; one submission).

Conditions:
MBNL3-related disorder. Also called: MBNL3-related condition.

Submission:

PreventionGenetics, part of Exact Sciences
Classification: Uncertain significance for MBNL3-related condition. Last evaluated: 2022-11-22. Review status: criteria provided, single submitter. Criteria: ACMG Guidelines, 2015. Collection method: clinical testing. Allele origin: germline.
Comment: The MBNL3 c.151C>A variant is predicted to result in the amino acid substitution p.Gln51Lys. To our knowledge, this variant has not been reported in the literature or in a large population database, indicating this variant is rare. At this time, the clinical significance of this variant is uncertain due to the absence of conclusive functional and genetic evidence.